The following is an entry in ClinVar:

NM_005609.4(PYGM):c.406G>A (p.Gly136Ser)

Gene: PYGM (glycogen phosphorylase, muscle associated; minus strand). Cytogenetic location: 11q13.1.
Variant type: single nucleotide variant.
Coding change: c.406G>A on transcript NM_005609.4 (MANE Select); coding-DNA position 406, G replaced by A.
Protein change: p.Gly136Ser; replaces glycine 136 with serine.
Molecular consequence: missense variant. On other transcripts: intron variant (1).
Genome position (GRCh38, 1-based): chr11:64,758,455, C>T on the plus strand (G>A on the coding strand, the complement: PYGM is on the minus strand). VCF-style: chr11-64758455-C-T. GRCh37 (hg19) VCF-style: chr11-64525927-C-T.
Other names: c.244-189G>A (NM_001164716.1); short protein forms G136S.
Identifiers: ClinVar variation 2435325 (VCV002435325.8), dbSNP rs1246112610, ClinGen allele CA381109629.

ClinVar aggregate classification (germline): Uncertain significance. Review status: criteria provided, multiple submitters, no conflicts (2 of 4 stars). 4 submissions from 4 submitters: Uncertain significance (4). Last evaluated 2025-10-17.

Conditions:
Glycogen storage disease, type V (GSD5). Also called: MCARDLE DISEASE; MUSCLE GLYCOGEN PHOSPHORYLASE DEFICIENCY; MYOPHOSPHORYLASE DEFICIENCY; PYGM DEFICIENCY; McArdle type glycogen storage disease. Identifiers: Orphanet 368, MedGen C0017924, MONDO:0009293, OMIM 232600.
Inborn genetic diseases. Identifiers: MedGen C0950123, MeSH D030342.

gnomAD v4.1: 1 of 1,613,958 alleles (0.000062%); highest among the groups gnomAD compares: Non-Finnish European, 0.000085%; no homozygotes.

Submissions (4):

Ambry Genetics
Classification: Uncertain significance for Inborn genetic diseases. Last evaluated: 2025-10-17. Review status: criteria provided, single submitter. Criteria: Ambry Variant Classification Scheme 2023. Collection method: clinical testing. Allele origin: germline.
Comment: The c.406G>A (p.G136S) alteration is located in exon 3 (coding exon 3) of the PYGM gene. This alteration results from a G to A substitution at nucleotide position 406, causing the glycine (G) at amino acid position 136 to be replaced by a serine (S). Based on data from gnomAD, the A allele has an overall frequency of <0.001% (0/251210) total alleles studied. The highest observed frequency was <0.001% of alleles. This variant has been identified in conjunction with other PYGM variant(s) in individual(s) with features consistent with McArdle disease (Rubegni, 2019). This amino acid position is highly conserved in available vertebrate species. This alteration is predicted to be deleterious by in silico analysis. Based on insufficient or conflicting evidence, the clinical significance of this alteration remains unclear.

Women's Health and Genetics/Laboratory Corporation of America, LabCorp
Classification: Uncertain significance. Last evaluated: 2025-04-23. Review status: criteria provided, single submitter. Criteria: LabCorp Variant Classification Summary - May 2015. Collection method: clinical testing. Allele origin: germline.
Comment: Variant summary: PYGM c.406G>A (p.Gly136Ser) results in a non-conservative amino acid change in the encoded protein sequence. Five of five in-silico tools predict a damaging effect of the variant on protein function. The frequency data for this variant in gnomAD is considered unreliable, as metrics indicate poor data quality at this position. c.406G>A has been observed in at least one compound heterozygous individual affected with clinical features of Glycogen Storage Disease, Type V (e.g. Rubegni_2019). These data do not allow any conclusion about variant significance. To our knowledge, no experimental evidence demonstrating an impact on protein function has been reported. The following publication has been ascertained in the context of this evaluation (PMID: 31517061). ClinVar contains an entry for this variant (Variation ID: 2435325). Based on the evidence outlined above, the variant was classified as uncertain significance.

Labcorp Genetics (formerly Invitae), Labcorp
Classification: Uncertain significance for Glycogen storage disease, type V. Last evaluated: 2024-12-30. Review status: criteria provided, single submitter. Criteria: Invitae Variant Classification Sherloc (09022015). Collection method: clinical testing. Allele origin: germline.
Comment: This sequence change replaces glycine, which is neutral and non-polar, with serine, which is neutral and polar, at codon 136 of the PYGM protein (p.Gly136Ser). This variant is not present in population databases (gnomAD no frequency). This missense change has been observed in individual(s) with clinical features of PYGM-related conditions (PMID: 31517061). ClinVar contains an entry for this variant (Variation ID: 2435325). Invitae Evidence Modeling of protein sequence and biophysical properties (such as structural, functional, and spatial information, amino acid conservation, physicochemical variation, residue mobility, and thermodynamic stability) indicates that this missense variant is expected to disrupt PYGM protein function with a positive predictive value of 95%. In summary, the available evidence is currently insufficient to determine the role of this variant in disease. Therefore, it has been classified as a Variant of Uncertain Significance.

Revvity Omics, Revvity
Classification: Uncertain significance for Glycogen storage disease, type V. Last evaluated: 2019-10-18. Review status: criteria provided, single submitter. Criteria: ACMG Guidelines, 2015. Collection method: clinical testing. Allele origin: germline.

Literature cited by the submitters: PubMed 31517061 (cited by 3 submitters).